The following is an entry in ClinVar:

NM_004963.4(GUCY2C):c.2008G>A (p.Ala670Thr)

Gene: GUCY2C (guanylate cyclase 2C; minus strand). Cytogenetic location: 12p12.3.
Variant type: single nucleotide variant.
Coding change: c.2008G>A on transcript NM_004963.4 (MANE Select); coding-DNA position 2008, G replaced by A.
Protein change: p.Ala670Thr; replaces alanine 670 with threonine.
Molecular consequence: missense variant.
Genome position (GRCh38, 1-based): chr12:14,641,142, C>T on the plus strand (G>A on the coding strand, the complement: GUCY2C is on the minus strand). VCF-style: chr12-14641142-C-T. GRCh37 (hg19) VCF-style: chr12-14794076-C-T.
Other names: short protein forms A670T.
Identifiers: ClinVar variation 161158 (VCV000161158.5), dbSNP rs587784572, ClinGen allele CA174001.

ClinVar aggregate classification (germline): Uncertain significance. Review status: criteria provided, multiple submitters, no conflicts (2 of 4 stars). 3 submissions from 3 submitters: Uncertain significance (2). 1 of the submissions does not count toward it. Last evaluated 2025-08-22.

Conditions:
Meconium ileus. Identifiers: Orphanet 314376, MedGen C2939175, MONDO:0054868, HP:0004401.

Allele frequency attached by ClinVar (database versions not stated): gnomAD 0.00004; gnomAD exomes 0.00003; TOPMed 0.00003; ExAC 0.00003.
gnomAD v4.1: 54 of 1,613,436 alleles (0.0033%); highest among the groups gnomAD compares: Middle Eastern, 0.05%; no homozygotes.

Submissions (3):

Labcorp Genetics (formerly Invitae), Labcorp
Classification: Uncertain significance. Last evaluated: 2025-08-22. Review status: criteria provided, single submitter. Criteria: Invitae Variant Classification Sherloc (09022015). Collection method: clinical testing. Allele origin: germline.
Comment: This sequence change replaces alanine, which is neutral and non-polar, with threonine, which is neutral and polar, at codon 670 of the GUCY2C protein (p.Ala670Thr). This variant is present in population databases (rs587784572, gnomAD 0.01%). This missense change has been observed in individual(s) with autosomal recessive meconium ileus (PMID: 25370039). ClinVar contains an entry for this variant (Variation ID: 161158). Invitae Evidence Modeling of protein sequence and biophysical properties (such as structural, functional, and spatial information, amino acid conservation, physicochemical variation, residue mobility, and thermodynamic stability) indicates that this missense variant is not expected to disrupt GUCY2C protein function with a negative predictive value of 80%. In summary, the available evidence is currently insufficient to determine the role of this variant in disease. Therefore, it has been classified as a Variant of Uncertain Significance.

Women's Health and Genetics/Laboratory Corporation of America, LabCorp
Classification: Uncertain significance. Last evaluated: 2024-06-13. Review status: criteria provided, single submitter. Criteria: LabCorp Variant Classification Summary - May 2015. Collection method: clinical testing. Allele origin: germline.
Comment: Variant summary: GUCY2C c.2008G>A (p.Ala670Thr) results in a non-conservative amino acid change in the encoded protein sequence. Three of five in-silico tools predict a benign effect of the variant on protein function. The variant allele was found at a frequency of 3.2e-05 in 251246 control chromosomes (gnomAD). The available data on variant occurrences in the general population are insufficient to allow any conclusion about variant significance. c.2008G>A has been reported in the literature in an individual affected with Meconium ileus (Smith_2015). This report does not provide unequivocal conclusions about association of the variant with GUCY2C-Related Disorders. To our knowledge, no experimental evidence demonstrating an impact on protein function has been reported. The following publication has been ascertained in the context of this evaluation (PMID: 25370039). ClinVar contains an entry for this variant (Variation ID: 161158). Based on the evidence outlined above, the variant was classified as uncertain significance.

FORGE Canada, Children's Hospital of Eastern Ontario
Classification: Pathogenic for Meconium Ileus. Last evaluated: 2014-08-13. Review status: no assertion criteria provided. Collection method: research. Allele origin: germline. Affected: yes. Not counted in ClinVar's aggregate classification.

Literature cited by the submitters: PubMed 25370039 (cited by 3 submitters).